The following is an entry in ClinVar:

NM_004370.6(COL12A1):c.2477C>T (p.Thr826Met)

Gene: COL12A1 (collagen type XII alpha 1 chain; minus strand). Cytogenetic location: 6q13.
Variant type: single nucleotide variant.
Coding change: c.2477C>T on transcript NM_004370.6 (MANE Select); coding-DNA position 2477, C replaced by T.
Protein change: p.Thr826Met; replaces threonine 826 with methionine.
Molecular consequence: missense variant. On other transcripts: intron variant (1).
Genome position (GRCh38, 1-based): chr6:75,175,271, G>A on the plus strand (C>T on the coding strand, the complement: COL12A1 is on the minus strand). VCF-style: chr6-75175271-G-A. GRCh37 (hg19) VCF-style: chr6-75884987-G-A.
Other names: c.74-22789C>T (NM_080645.3); short protein forms T826M.
Identifiers: ClinVar variation 665143 (VCV000665143.13), dbSNP rs1369556861, ClinGen allele CA364762553.

ClinVar aggregate classification (germline): Uncertain significance. Review status: criteria provided, multiple submitters, no conflicts (2 of 4 stars). 3 submissions from 3 submitters: Uncertain significance (3). Last evaluated 2026-06-02.

Conditions:
Ullrich congenital muscular dystrophy 2 (UCMD2). Identifiers: Orphanet 75840, MedGen C4225314, MONDO:0014654, OMIM 616470.
Bethlem myopathy 2 (BTHLM2). Identifiers: Orphanet 536516, Orphanet 610, MedGen C4225313, MONDO:0034022, OMIM 616471.

Allele frequency attached by ClinVar (database versions not stated): gnomAD 0.00001; TOPMed 0.00002.
gnomAD v4.1: 23 of 1,614,000 alleles (0.0014%); highest among the groups gnomAD compares: South Asian, 0.0022%; no homozygotes.

Submissions (3):

Women's Health and Genetics/Laboratory Corporation of America, LabCorp
Classification: Uncertain significance. Last evaluated: 2026-06-02. Review status: criteria provided, single submitter. Criteria: LabCorp Variant Classification Summary - May 2015. Collection method: clinical testing. Allele origin: germline.
Comment: Variant summary: COL12A1 c.2477C>T (p.Thr826Met) results in a non-conservative amino acid change in the encoded protein sequence. Algorithms developed to predict the effect of missense changes on protein structure and function all suggest that this variant is likely to be disruptive. The variant allele was found at a frequency of 8e-06 in 249288 control chromosomes. The available data on variant occurrences in the general population are insufficient to allow any conclusion about variant significance. To our knowledge, no occurrence of c.2477C>T in individuals affected with COL12A1-related conditions and no experimental evidence demonstrating its impact on protein function have been reported. ClinVar contains an entry for this variant (Variation ID: 665143). Based on the evidence outlined above, the variant was classified as uncertain significance.

Labcorp Genetics (formerly Invitae), Labcorp
Classification: Uncertain significance for Bethlem myopathy 2; Ullrich congenital muscular dystrophy 2. Last evaluated: 2025-12-29. Review status: criteria provided, single submitter. Criteria: Invitae Variant Classification Sherloc (09022015). Collection method: clinical testing. Allele origin: germline.
Comment: This sequence change replaces threonine, which is neutral and polar, with methionine, which is neutral and non-polar, at codon 826 of the COL12A1 protein (p.Thr826Met). This variant is present in population databases (no rsID available, gnomAD 0.003%). This variant has not been reported in the literature in individuals affected with COL12A1-related conditions. ClinVar contains an entry for this variant (Variation ID: 665143). Invitae Evidence Modeling of protein sequence and biophysical properties (such as structural, functional, and spatial information, amino acid conservation, physicochemical variation, residue mobility, and thermodynamic stability) indicates that this missense variant is not expected to disrupt COL12A1 protein function with a negative predictive value of 80%. In summary, the available evidence is currently insufficient to determine the role of this variant in disease. Therefore, it has been classified as a Variant of Uncertain Significance.

GeneDx
Classification: Uncertain significance. Last evaluated: 2022-02-25. Review status: criteria provided, single submitter. Criteria: GeneDx Variant Classification Process June 2021. Collection method: clinical testing. Allele origin: germline. Affected: yes.
Comment: Has not been previously published as pathogenic or benign to our knowledge; Not observed at significant frequency in large population cohorts (gnomAD); In silico analysis supports that this missense variant does not alter protein structure/function